The following is an entry in ClinVar:

ClinVar aggregate classification (germline): Likely benign. Review status: criteria provided, multiple submitters, no conflicts (2 of 4 stars). 4 submissions from 4 submitters: Likely benign (4). Last evaluated 2025-09-23.

Conditions:
Cardiovascular phenotype. Identifiers: MedGen CN230736.
Hypertrophic cardiomyopathy. Also called: HYPERTROPHIC MYOCARDIOPATHY. Identifiers: Orphanet 217569, MedGen C0007194, MeSH D002312, MONDO:0005045, HP:0001639.

Allele frequency attached by ClinVar (database versions not stated): gnomAD exomes 0.00002; gnomAD 0.00004; TOPMed 0.00005.
gnomAD v4.1: 34 of 1,390,076 alleles (0.0024%); highest among the groups gnomAD compares: African/African-American, 0.0031%; no homozygotes.

Submissions (4):

Labcorp Genetics (formerly Invitae), Labcorp
Classification: Likely benign for Hypertrophic cardiomyopathy. Last evaluated: 2025-09-23. Review status: criteria provided, single submitter. Criteria: Invitae Variant Classification Sherloc (09022015). Collection method: clinical testing. Allele origin: germline.

ARUP Laboratories, Molecular Genetics and Genomics, ARUP Laboratories
Classification: Likely benign. Last evaluated: 2025-01-21. Review status: criteria provided, single submitter. Criteria: ARUP Molecular Germline Variant Investigation Process 2024. Collection method: clinical testing. Allele origin: germline.

Ambry Genetics
Classification: Likely benign for Cardiovascular phenotype. Last evaluated: 2020-11-17. Review status: criteria provided, single submitter. Criteria: Ambry Variant Classification Scheme 2023. Collection method: clinical testing. Allele origin: germline.

GeneDx
Classification: Likely benign. Last evaluated: 2016-10-04. Review status: criteria provided, single submitter. Criteria: GeneDx Variant Classification (06012015). Collection method: clinical testing. Allele origin: germline. Affected: yes.
Comment: This variant is considered likely benign or benign based on one or more of the following criteria: it is a conservative change, it occurs at a poorly conserved position in the protein, it is predicted to be benign by multiple in silico algorithms, and/or has population frequency not consistent with disease.

NM_020433.5(JPH2):c.1476G>T (p.Pro492=)

Gene: JPH2 (junctophilin 2; minus strand). Cytogenetic location: 20q13.12.
Variant type: single nucleotide variant.
Coding change: c.1476G>T on transcript NM_020433.5 (MANE Select); coding-DNA position 1476, G replaced by T.
Protein change: p.Pro492=; no amino-acid change (proline 492 retained).
Molecular consequence: synonymous variant.
Genome position (GRCh38, 1-based): chr20:44,116,199, C>A on the plus strand (G>T on the coding strand, the complement: JPH2 is on the minus strand). VCF-style: chr20-44116199-C-A. GRCh37 (hg19) VCF-style: chr20-42744839-C-A.
Identifiers: ClinVar variation 389653 (VCV000389653.11), dbSNP rs892497789, ClinGen allele CA16608358.